The following is an entry in ClinVar:

NM_024422.6(DSC2):c.2251-13G>A

Gene: DSC2 (desmocollin 2; minus strand). Cytogenetic location: 18q12.1.
Variant type: single nucleotide variant.
Coding change: c.2251-13G>A on transcript NM_024422.6 (MANE Select); 13 bases into the intron before coding-DNA position 2251, G replaced by A.
Molecular consequence: intron variant.
Genome position (GRCh38, 1-based): chr18:31,069,164, C>T on the plus strand (G>A on the coding strand, the complement: DSC2 is on the minus strand). VCF-style: chr18-31069164-C-T. GRCh37 (hg19) VCF-style: chr18-28649130-C-T.
Other names: c.2251-13G>A (NM_004949.5).
Identifiers: ClinVar variation 389631 (VCV000389631.5), dbSNP rs1057523492, ClinGen allele CA16607565.

ClinVar aggregate classification (germline): Likely benign. Review status: criteria provided, multiple submitters, no conflicts (2 of 4 stars). 3 submissions from 3 submitters: Likely benign (3). Last evaluated 2023-03-09.

Conditions:
Cardiomyopathy (CMYO). Also called: Cardiomyopathies. Identifiers: Orphanet 167848, MedGen C0878544, MONDO:0004994, HP:0001638. Inheritance: Various modes of inheritance.
Familial isolated arrhythmogenic right ventricular dysplasia. Identifiers: Orphanet 217656, MedGen C4274968, MONDO:0016342.

Allele frequency attached by ClinVar (database versions not stated): TOPMed below 0.00001.

Submissions (3):

All of Us Research Program, National Institutes of Health
Classification: Likely benign for Familial isolated arrhythmogenic right ventricular dysplasia. Last evaluated: 2023-03-09. Review status: criteria provided, single submitter. Criteria: ACMG Guidelines, 2015. Collection method: clinical testing. Allele origin: germline. Inheritance: Autosomal dominant inheritance. Observed: 1 variant allele, 1 heterozygote.
Comment: This study involves interpretation of variants in research participants for the purpose of population health screening. Participant phenotype was not available at the time of variant classification. Additional details can be found in publication PMID: 35346344, PMCID: PMC8962531

GeneDx
Classification: Likely benign. Last evaluated: 2019-11-20. Review status: criteria provided, single submitter. Criteria: GeneDx Variant Classification Process June 2021. Collection method: clinical testing. Allele origin: germline. Affected: yes.

Color Diagnostics, LLC DBA Color Health
Classification: Likely benign for Cardiomyopathy. Last evaluated: 2019-09-04. Review status: criteria provided, single submitter. Criteria: ACMG Guidelines, 2015. Collection method: clinical testing. Allele origin: germline.